The following is an entry in ClinVar:

NM_017514.5(PLXNA3):c.963C>T (p.Phe321=)

Gene: PLXNA3 (plexin A3; plus strand). Cytogenetic location: Xq28.
Variant type: single nucleotide variant.
Coding change: c.963C>T on transcript NM_017514.5 (MANE Select); coding-DNA position 963, C replaced by T.
Protein change: p.Phe321=; no amino-acid change (phenylalanine 321 retained).
Molecular consequence: synonymous variant.
Genome position (GRCh38, 1-based): chrX:154,461,467, C>T. VCF-style: chrX-154461467-C-T. GRCh37 (hg19) VCF-style: chrX-153689807-C-T.
Identifiers: ClinVar variation 3031545 (VCV003031545.2), dbSNP rs143354413, ClinGen allele CA10563870.

ClinVar aggregate classification (germline): Likely benign (0 of 4 stars; one submission).

Conditions:
PLXNA3-related disorder. Also called: PLXNA3-related condition.

Allele frequency attached by ClinVar (database versions not stated): ExAC 0.00003; ESP Exome Variant Server 0.00009.
gnomAD v4.1: 13 of 1,210,955 alleles (0.0011%); highest among the groups gnomAD compares: African/African-American, 0.023%; no homozygotes.

Submission:

PreventionGenetics, part of Exact Sciences
Classification: Likely benign for PLXNA3-related condition. Last evaluated: 2022-04-04. Review status: no assertion criteria provided. Collection method: clinical testing. Allele origin: germline.
Comment: This variant is classified as likely benign based on ACMG/AMP sequence variant interpretation guidelines (Richards et al. 2015 PMID: 25741868, with internal and published modifications).